The following is an entry in ClinVar:

ClinVar aggregate classification (germline): Uncertain significance. Review status: criteria provided, multiple submitters, no conflicts (2 of 4 stars). 2 submissions from 2 submitters: Uncertain significance (2). Last evaluated 2022-07-12.

Allele frequency attached by ClinVar (database versions not stated): gnomAD exomes below 0.00001.
gnomAD v4.1: 2 of 1,613,986 alleles (0.00012%); highest among the groups gnomAD compares: Non-Finnish European, 0.00017%; no homozygotes.

Submissions (2):

Labcorp Genetics (formerly Invitae), Labcorp
Classification: Uncertain significance. Last evaluated: 2022-07-12. Review status: criteria provided, single submitter. Criteria: Invitae Variant Classification Sherloc (09022015). Collection method: clinical testing. Allele origin: germline.
Comment: In summary, the available evidence is currently insufficient to determine the role of this variant in disease. Therefore, it has been classified as a Variant of Uncertain Significance. Algorithms developed to predict the effect of missense changes on protein structure and function (SIFT, PolyPhen-2, Align-GVGD) all suggest that this variant is likely to be tolerated. This sequence change replaces arginine, which is basic and polar, with glycine, which is neutral and non-polar, at codon 667 of the SEMA4A protein (p.Arg667Gly). This variant is not present in population databases (gnomAD no frequency). This variant has not been reported in the literature in individuals affected with SEMA4A-related conditions. ClinVar contains an entry for this variant (Variation ID: 998704).

Blueprint Genetics
Classification: Uncertain significance. Last evaluated: 2020-12-10. Review status: criteria provided, single submitter. Criteria: ACMG Guidelines, 2015. Collection method: clinical testing. Allele origin: germline.

NM_022367.4(SEMA4A):c.1999A>G (p.Arg667Gly)

Gene: SEMA4A (semaphorin 4A; plus strand). Cytogenetic location: 1q22.
Variant type: single nucleotide variant.
Coding change: c.1999A>G on transcript NM_022367.4 (MANE Select); coding-DNA position 1999, A replaced by G.
Protein change: p.Arg667Gly; replaces arginine 667 with glycine.
Molecular consequence: missense variant.
Genome position (GRCh38, 1-based): chr1:156,176,710, A>G. VCF-style: chr1-156176710-A-G. GRCh37 (hg19) VCF-style: chr1-156146501-A-G.
Other names: c.1999A>G, p.Arg667Gly (NM_001193300.2, NM_001193301.2, NM_001370567.1); c.1603A>G, p.Arg535Gly (NM_001193302.2); c.1702A>G, p.Arg568Gly (NM_001370568.1); c.1492A>G, p.Arg498Gly (NM_001370569.1, NM_001370571.1); short protein forms R498G, R535G, R568G, R667G.
Identifiers: ClinVar variation 998704 (VCV000998704.9), dbSNP rs1655372295, ClinGen allele CA342813361.